The following is an entry in ClinVar:

NM_014921.5(ADGRL1):c.3761dup (p.Pro1256fs)

Genes: ADGRL1 (adhesion G protein-coupled receptor L1; minus strand), ADGRL1-AS1 (ADGRL1 antisense RNA 1; plus strand). Cytogenetic location: 19p13.12.
Variant type: Duplication.
Coding change: c.3761dup on transcript NM_014921.5 (MANE Select); coding-DNA position 3761, one base duplicated (T; older notation c.3761dupT).
Protein change: p.Pro1256fs; shifts the reading frame from proline 1256.
Molecular consequence: frameshift variant.
Genome position (GRCh38, 1-based): chr19:14,151,522, A duplicated on the plus strand (T on the coding strand, the reverse complement: ADGRL1 is on the minus strand); the first of 3 consecutive A bases (chr19:14,151,522-14,151,524); duplicating any one gives the same sequence. VCF-style (leftmost placement, unchanged base first): chr19-14151521-G-GA. GRCh37 (hg19) VCF-style: chr19-14262333-G-GA.
Other names: c.3776dup, p.Pro1261fs (NM_001008701.3); short protein forms P1256fs, P1261fs.
Identifiers: ClinVar variation 4975157 (VCV004975157.1).

ClinVar aggregate classification (germline): Uncertain significance (1 of 4 stars; one submission).

Submission:

GeneDx
Classification: Uncertain significance. Last evaluated: 2025-06-12. Review status: criteria provided, single submitter. Criteria: GeneDx Variant Classification Process June 2021. Collection method: clinical testing. Allele origin: germline.
Comment: Not observed at significant frequency in large population cohorts (gnomAD); Frameshift variant predicted to result in abnormal protein length as the last 214 amino acids are replaced with 6 different amino acids with an unclear effect on protein function; Has not been previously published as pathogenic or benign to our knowledge; Variants in candidate genes are classified as variants of uncertain significance in accordance with ACMG guidelines (PMID: 25741868)